The following is an entry in ClinVar:

NM_000458.4(HNF1B):c.471del (p.Thr158fs)

Gene: HNF1B (HNF1 homeobox B; minus strand). Cytogenetic location: 17q12.
Variant type: Deletion.
Coding change: c.471del on transcript NM_000458.4 (MANE Select); coding-DNA position 471, one base deleted (C; older notation c.471delC).
Protein change: p.Thr158fs; shifts the reading frame from threonine 158.
Molecular consequence: frameshift variant.
Genome position (GRCh38, 1-based): chr17:37,739,513, G deleted on the plus strand (C on the coding strand, the reverse complement: HNF1B is on the minus strand). VCF-style (leftmost placement, unchanged base first): chr17-37739512-TG-T. GRCh37 (hg19) VCF-style: chr17-36099503-TG-T.
Other names: c.471del, p.Thr158fs (NM_001165923.4, NM_001304286.2); short protein forms T158fs.
Identifiers: ClinVar variation 635690 (VCV000635690.1), dbSNP rs2484886000, ClinGen allele CA913190795.

ClinVar aggregate classification (germline): Pathogenic (1 of 4 stars; one submission).

Conditions:
Renal cysts and diabetes syndrome (RCAD). Also called: Familial hypoplastic, glomerulocystic kidney; MATURITY-ONSET DIABETES OF THE YOUNG, TYPE 5. Identifiers: Orphanet 93111, MedGen C0431693, MONDO:0007669, OMIM 137920.

Submission:

Institute of Human Genetics, FAU Erlangen, Friedrich-Alexander-Universität Erlangen-Nürnberg
Classification: Pathogenic for Renal cysts and diabetes syndrome. Last evaluated: 2019-07-06. Review status: criteria provided, single submitter. Criteria: ACMG Guidelines, 2015. Collection method: literature only. Allele origin: germline. Affected: yes.
Comment: This variant and it's classification has been reported by Vasileiou et al. 2019; DOI:10.1101/576918. The variants has previously been reported in PMID:28420700 as "c.471del,p.Thr158fs" with clinical significance Pathogenic. It has been re-classified using InterVar and manual curation as Pathogenic based on PVS1 PM2 PP3.

Literature cited by the submitters: PubMed 28420700; DOI 10.1101/576918.